The following is an entry in ClinVar:

NM_003816.3(ADAM9):c.356A>G (p.Tyr119Cys)

Gene: ADAM9 (ADAM metallopeptidase domain 9; plus strand). Cytogenetic location: 8p11.22.
Variant type: single nucleotide variant.
Coding change: c.356A>G on transcript NM_003816.3 (MANE Select); coding-DNA position 356, A replaced by G.
Protein change: p.Tyr119Cys; replaces tyrosine 119 with cysteine.
Molecular consequence: missense variant. On other transcripts: non-coding transcript variant (3).
Genome position (GRCh38, 1-based): chr8:39,016,140, A>G. VCF-style: chr8-39016140-A-G. GRCh37 (hg19) VCF-style: chr8-38873659-A-G.
Other names: short protein forms Y119C.
Identifiers: ClinVar variation 910312 (VCV000910312.9), dbSNP rs376349029, ClinGen allele CA4721321.

ClinVar aggregate classification (germline): Uncertain significance. Review status: criteria provided, multiple submitters, no conflicts (2 of 4 stars). 5 submissions from 5 submitters: Uncertain significance (5). Last evaluated 2024-10-21.

Conditions:
Inborn genetic diseases. Identifiers: MedGen C0950123, MeSH D030342.
Cone-rod dystrophy 9 (CORD9). Identifiers: Orphanet 1872, MedGen C1423873, MONDO:0013002, OMIM 612775.

Allele frequency attached by ClinVar (database versions not stated): gnomAD exomes 0.00001 and 0.00007; gnomAD 0.00003 and 0.00004; TOPMed 0.00003; ExAC 0.00007.
gnomAD v4.1: 47 of 1,613,648 alleles (0.0029%); highest among the groups gnomAD compares: East Asian, 0.018%; no homozygotes.

Submissions (5):

Blueprint Genetics
Classification: Uncertain significance. Last evaluated: 2024-10-21. Review status: criteria provided, single submitter. Criteria: ACMG Guidelines, 2015. Collection method: clinical testing. Allele origin: germline.

Ambry Genetics
Classification: Uncertain significance for Inborn genetic diseases. Last evaluated: 2023-10-10. Review status: criteria provided, single submitter. Criteria: Ambry Variant Classification Scheme 2023. Collection method: clinical testing. Allele origin: germline.

Labcorp Genetics (formerly Invitae), Labcorp
Classification: Uncertain significance. Last evaluated: 2022-08-22. Review status: criteria provided, single submitter. Criteria: Invitae Variant Classification Sherloc (09022015). Collection method: clinical testing. Allele origin: germline.
Comment: This sequence change replaces tyrosine, which is neutral and polar, with cysteine, which is neutral and slightly polar, at codon 119 of the ADAM9 protein (p.Tyr119Cys). This variant is present in population databases (rs376349029, gnomAD 0.08%). This variant has not been reported in the literature in individuals affected with ADAM9-related conditions. ClinVar contains an entry for this variant (Variation ID: 910312). Algorithms developed to predict the effect of missense changes on protein structure and function are either unavailable or do not agree on the potential impact of this missense change (SIFT: "Deleterious"; PolyPhen-2: "Probably Damaging"; Align-GVGD: "Class C0"). In summary, the available evidence is currently insufficient to determine the role of this variant in disease. Therefore, it has been classified as a Variant of Uncertain Significance.

Illumina Laboratory Services, Illumina
Classification: Uncertain significance for Cone-rod dystrophy 9. Last evaluated: 2018-01-13. Review status: criteria provided, single submitter. Criteria: ICSL Variant Classification Criteria 13 December 2019. Collection method: clinical testing. Allele origin: germline.

Breakthrough Genomics
Classification: Uncertain significance. Review status: criteria provided, single submitter. Criteria: ACMG Guidelines, 2015. Collection method: not provided. Allele origin: germline. Inheritance: Autosomal recessive inheritance. Affected: yes.